The following is an entry in ClinVar:

NM_006231.4(POLE):c.4583C>T (p.Ala1528Val)

Gene: POLE (DNA polymerase epsilon, catalytic subunit; minus strand). Cytogenetic location: 12q24.33.
Variant type: single nucleotide variant.
Coding change: c.4583C>T on transcript NM_006231.4 (MANE Select); coding-DNA position 4583, C replaced by T.
Protein change: p.Ala1528Val; replaces alanine 1528 with valine.
Molecular consequence: missense variant.
Genome position (GRCh38, 1-based): chr12:132,642,965, G>A on the plus strand (C>T on the coding strand, the complement: POLE is on the minus strand). VCF-style: chr12-132642965-G-A. GRCh37 (hg19) VCF-style: chr12-133219551-G-A.
Other names: p.Ala1528Val; c.4583C>T (NM_006231.2); short protein forms A1528V.
Identifiers: ClinVar variation 540788 (VCV000540788.11), dbSNP rs1292909825, ClinGen allele CA387379265.

ClinVar aggregate classification (germline): Uncertain significance. Review status: criteria provided, multiple submitters, no conflicts (2 of 4 stars). 3 submissions from 3 submitters: Uncertain significance (3). Last evaluated 2025-11-22.

Conditions:
Hereditary cancer-predisposing syndrome. Also called: Neoplastic Syndromes, Hereditary; Hereditary Cancer Syndrome; Hereditary neoplastic syndrome; Tumor predisposition. Identifiers: Orphanet 140162, MedGen C0027672, MeSH D009386, MONDO:0015356.

Allele frequency attached by ClinVar (database versions not stated): gnomAD exomes below 0.00001; TOPMed below 0.00001; gnomAD 0.00001.
gnomAD v4.1: 2 of 1,597,402 alleles (0.00013%); highest among the groups gnomAD compares: Non-Finnish European, 0.00017%; no homozygotes.

Submissions (3):

Mayo Clinic Laboratories, Mayo Clinic
Classification: Uncertain significance. Last evaluated: 2025-11-22. Review status: criteria provided, single submitter. Criteria: ACMG Guidelines, 2015. Collection method: clinical testing. Allele origin: germline. Observed: 1 variant allele.
Comment: BP4_moderate, PM2_supporting

Ambry Genetics
Classification: Uncertain significance for Hereditary cancer-predisposing syndrome. Last evaluated: 2025-09-19. Review status: criteria provided, single submitter. Criteria: Ambry Variant Classification Scheme 2023. Collection method: clinical testing. Allele origin: germline.
Comment: The p.A1528V variant (also known as c.4583C>T), located in coding exon 36 of the POLE gene, results from a C to T substitution at nucleotide position 4583. The alanine at codon 1528 is replaced by valine, an amino acid with similar properties. This amino acid position is conserved. In addition, this alteration is predicted to be tolerated by in silico analysis. Since supporting evidence is limited at this time, the clinical significance of this alteration remains unclear.

Labcorp Genetics (formerly Invitae), Labcorp
Classification: Uncertain significance. Last evaluated: 2022-03-26. Review status: criteria provided, single submitter. Criteria: Invitae Variant Classification Sherloc (09022015). Collection method: clinical testing. Allele origin: germline.
Comment: In summary, the available evidence is currently insufficient to determine the role of this variant in disease. Therefore, it has been classified as a Variant of Uncertain Significance. Algorithms developed to predict the effect of missense changes on protein structure and function (SIFT, PolyPhen-2, Align-GVGD) all suggest that this variant is likely to be tolerated. ClinVar contains an entry for this variant (Variation ID: 540788). This variant has not been reported in the literature in individuals affected with POLE-related conditions. This variant is present in population databases (no rsID available, gnomAD 0.001%). This sequence change replaces alanine, which is neutral and non-polar, with valine, which is neutral and non-polar, at codon 1528 of the POLE protein (p.Ala1528Val).